The following is an entry in ClinVar:

NM_016151.4(TAOK2):c.1243A>G (p.Ile415Val)

Gene: TAOK2 (TAO kinase 2; plus strand). Cytogenetic location: 16p11.2.
Variant type: single nucleotide variant.
Coding change: c.1243A>G on transcript NM_016151.4 (MANE Select); coding-DNA position 1243, A replaced by G.
Protein change: p.Ile415Val; replaces isoleucine 415 with valine.
Molecular consequence: missense variant.
Genome position (GRCh38, 1-based): chr16:29,983,315, A>G. VCF-style: chr16-29983315-A-G. GRCh37 (hg19) VCF-style: chr16-29994636-A-G.
Other names: c.1243A>G, p.Ile415Val (NM_001252043.2, NM_004783.4); short protein forms I415V.
Identifiers: ClinVar variation 2983053 (VCV002983053.3), dbSNP rs777506344, ClinGen allele CA7998076.

ClinVar aggregate classification (germline): Uncertain significance (1 of 4 stars; one submission).

Allele frequency attached by ClinVar (database versions not stated): TOPMed 0.00001; ExAC 0.00001; gnomAD 0.00001; gnomAD exomes 0.00001.
gnomAD v4.1: 18 of 1,599,530 alleles (0.0011%); highest among the groups gnomAD compares: African/African-American, 0.0027%; no homozygotes.

Submission:

Labcorp Genetics (formerly Invitae), Labcorp
Classification: Uncertain significance. Last evaluated: 2025-06-23. Review status: criteria provided, single submitter. Criteria: Invitae Variant Classification Sherloc (09022015). Collection method: clinical testing. Allele origin: germline.
Comment: This sequence change replaces isoleucine, which is neutral and non-polar, with valine, which is neutral and non-polar, at codon 415 of the TAOK2 protein (p.Ile415Val). This variant is present in population databases (rs777506344, gnomAD no frequency). This variant has not been reported in the literature in individuals affected with TAOK2-related conditions. ClinVar contains an entry for this variant (Variation ID: 2983053). An algorithm developed to predict the effect of missense changes on protein structure and function outputs the following: PolyPhen-2: "Benign". The valine amino acid residue is found in multiple mammalian species, which suggests that this missense change does not adversely affect protein function. In summary, the available evidence is currently insufficient to determine the role of this variant in disease. Therefore, it has been classified as a Variant of Uncertain Significance.